The following is an entry in ClinVar:

NM_014244.5(ADAMTS2):c.32del (p.Leu11fs)

Gene: ADAMTS2 (ADAM metallopeptidase with thrombospondin type 1 motif 2; minus strand). Cytogenetic location: 5q35.3.
Variant type: Deletion.
Coding change: c.32del on transcript NM_014244.5 (MANE Select); coding-DNA position 32, one base deleted (T; older notation c.32delT).
Protein change: p.Leu11fs; shifts the reading frame from leucine 11.
Molecular consequence: frameshift variant.
Genome position (GRCh38, 1-based): chr5:179,345,297, A deleted on the plus strand (T on the coding strand, the reverse complement: ADAMTS2 is on the minus strand). VCF-style (leftmost placement, unchanged base first): chr5-179345296-CA-C. GRCh37 (hg19) VCF-style: chr5-178772297-CA-C.
Other names: c.32del, p.Leu11fs (NM_021599.4); short protein forms L11fs.
Identifiers: ClinVar variation 658082 (VCV000658082.7), dbSNP rs1581302068, ClinGen allele CA915942747.

ClinVar aggregate classification (germline): Pathogenic (1 of 4 stars; one submission).

Conditions:
Ehlers-Danlos syndrome, dermatosparaxis type. Also called: Dermatosparaxis; EDS VIIC; Ehlers-Danlos syndrome, type VII, autosomal recessive. Identifiers: Orphanet 1901, MedGen C2700425, MONDO:0009161, OMIM 225410.

Submission:

Labcorp Genetics (formerly Invitae), Labcorp
Classification: Pathogenic for Ehlers-Danlos syndrome, dermatosparaxis type. Last evaluated: 2018-10-22. Review status: criteria provided, single submitter. Criteria: Invitae Variant Classification Sherloc (09022015). Collection method: clinical testing. Allele origin: germline.
Comment: For these reasons, this variant has been classified as Pathogenic. Loss-of-function variants in ADAMTS2 are known to be pathogenic (PMID: 10417273). This variant has not been reported in the literature in individuals with ADAMTS2-related disease. The frequency data for this variant in the population databases is considered unreliable, as metrics indicate insufficient coverage at this position in the ExAC database. This sequence change creates a premature translational stop signal (p.Leu11Argfs*154) in the ADAMTS2 gene. It is expected to result in an absent or disrupted protein product.

Literature cited by the submitters: PubMed 10417273.